The following is an entry in ClinVar:

ClinVar aggregate classification (germline): Uncertain significance. Review status: criteria provided, single submitter (1 of 4 stars). 2 submissions from 2 submitters: Uncertain significance (1). 1 of the submissions does not count toward it. Last evaluated 2021-08-13.

Conditions:
Inborn genetic diseases. Identifiers: MedGen C0950123, MeSH D030342.
SPEN-related disorder. Also called: SPEN-related condition.

Allele frequency attached by ClinVar (database versions not stated): ExAC 0.00012; gnomAD 0.00012; TOPMed 0.00015; 1000 Genomes Project 30x 0.00016; 1000 Genomes Project 0.00020; gnomAD exomes 0.00026; ESP Exome Variant Server 0.00031.
gnomAD v4.1: 394 of 1,613,952 alleles (0.024%); highest among the groups gnomAD compares: Non-Finnish European, 0.031%; no homozygotes.

Submissions (2):

Ambry Genetics
Classification: Uncertain significance for Inborn genetic diseases. Last evaluated: 2021-08-13. Review status: criteria provided, single submitter. Criteria: Ambry Variant Classification Scheme 2023. Collection method: clinical testing. Allele origin: germline.

PreventionGenetics, part of Exact Sciences
Classification: Likely benign for SPEN-related condition. Last evaluated: 2022-03-09. Review status: no assertion criteria provided. Collection method: clinical testing. Allele origin: germline. Not counted in ClinVar's aggregate classification.
Comment: This variant is classified as likely benign based on ACMG/AMP sequence variant interpretation guidelines (Richards et al. 2015 PMID: 25741868, with internal and published modifications).

NM_015001.3(SPEN):c.4424G>A (p.Arg1475Gln)

Gene: SPEN (spen family transcriptional repressor; plus strand). Cytogenetic location: 1p36.13.
Variant type: single nucleotide variant.
Coding change: c.4424G>A on transcript NM_015001.3 (MANE Select); coding-DNA position 4424, G replaced by A.
Protein change: p.Arg1475Gln; replaces arginine 1475 with glutamine.
Molecular consequence: missense variant.
Genome position (GRCh38, 1-based): chr1:15,930,664, G>A. VCF-style: chr1-15930664-G-A. GRCh37 (hg19) VCF-style: chr1-16257159-G-A.
Other names: short protein forms R1475Q.
Identifiers: ClinVar variation 2211660 (VCV002211660.4), dbSNP rs141407539, ClinGen allele CA619577.